The following is an entry in ClinVar:

ClinVar aggregate classification (germline): Uncertain significance (1 of 4 stars; one submission).

Submission:

Labcorp Genetics (formerly Invitae), Labcorp
Classification: Uncertain significance. Last evaluated: 2023-12-11. Review status: criteria provided, single submitter. Criteria: Invitae Variant Classification Sherloc (09022015). Collection method: clinical testing. Allele origin: germline.
Comment: This sequence change replaces asparagine, which is neutral and polar, with histidine, which is basic and polar, at codon 1254 of the PCDH15 protein (p.Asn1254His). This variant is not present in population databases (gnomAD no frequency). This variant has not been reported in the literature in individuals affected with PCDH15-related conditions. ClinVar contains an entry for this variant (Variation ID: 1019710). Advanced modeling of protein sequence and biophysical properties (such as structural, functional, and spatial information, amino acid conservation, physicochemical variation, residue mobility, and thermodynamic stability) performed at Invitae indicates that this missense variant is expected to disrupt PCDH15 protein function with a positive predictive value of 80%. In summary, the available evidence is currently insufficient to determine the role of this variant in disease. Therefore, it has been classified as a Variant of Uncertain Significance.

NM_001384140.1(PCDH15):c.3760A>C (p.Asn1254His)

Gene: PCDH15 (protocadherin related 15; minus strand). Cytogenetic location: 10q21.1.
Variant type: single nucleotide variant.
Coding change: c.3760A>C on transcript NM_001384140.1 (MANE Select); coding-DNA position 3760, A replaced by C.
Protein change: p.Asn1254His; replaces asparagine 1254 with histidine.
Molecular consequence: missense variant.
Genome position (GRCh38, 1-based): chr10:53,857,221, T>G on the plus strand (A>C on the coding strand, the complement: PCDH15 is on the minus strand). VCF-style: chr10-53857221-T-G. GRCh37 (hg19) VCF-style: chr10-55616981-T-G.
Other names: c.3775A>C, p.Asn1259His (NM_001142763.2, NM_001142771.2); c.3760A>C, p.Asn1254His (NM_001142764.2, NM_001142766.2, NM_001142770.3 and 4 more transcripts); c.3547A>C, p.Asn1183His (NM_001142765.2); c.3649A>C, p.Asn1217His (NM_001142767.2); c.3694A>C, p.Asn1232His (NM_001142768.2, NM_001142773.2, NM_001354404.2); c.3796A>C, p.Asn1266His (NM_001142769.4); c.3781A>C, p.Asn1261His (NM_001354411.2); short protein forms N1183H, N1217H, N1232H, N1254H, N1259H, N1261H, N1266H.
Identifiers: ClinVar variation 1019710 (VCV001019710.8), dbSNP rs2078810465, ClinGen allele CA376514344.